The following is an entry in ClinVar:

ClinVar aggregate classification (germline): Pathogenic (1 of 4 stars; one submission).

Conditions:
Retinoblastoma (RB1). Also called: RETINOBLASTOMA, SOMATIC. Identifiers: Orphanet 790, MedGen C0035335, MeSH D012175, MONDO:0008380, OMIM 180200, HP:0009919. Disease mechanism: loss of function. Inheritance: Both sporadic and heritable forms are tested..

Submission:

Labcorp Genetics (formerly Invitae), Labcorp
Classification: Pathogenic for Retinoblastoma. Last evaluated: 2024-01-27. Review status: criteria provided, single submitter. Criteria: Invitae Variant Classification Sherloc (09022015). Collection method: clinical testing. Allele origin: unknown.
Comment: A gross deletion of the genomic region encompassing the full coding sequence of the RB1 gene has been identified. Loss-of-function variants in RB1 are known to be pathogenic (PMID: 17096365). The boundaries of this event are unknown as they extend beyond the assayed region for this gene and therefore may encompass additional genes. A similar copy number variant has been observed in individuals with retinoblastoma (PMID: 8099255, 12541220, 28575107, 29568217). For these reasons, this variant has been classified as Pathogenic.

Literature cited by the submitters: PubMed 17096365; PubMed 8099255; PubMed 12541220; PubMed 28575107; PubMed 29568217.

NC_000013.10:g.(?_48877814)_(49054207_?)del

Genes: LPAR6 (lysophosphatidic acid receptor 6; minus strand), RB1 (RB transcriptional corepressor 1; plus strand). Cytogenetic location: 13q14.2.
Variant type: Deletion.
Identifiers: ClinVar variation 3244120 (VCV003244120.1).